The following is an entry in ClinVar:

NM_017617.5(NOTCH1):c.1960A>G (p.Thr654Ala)

Gene: NOTCH1 (notch receptor 1; minus strand). Cytogenetic location: 9q34.3.
Variant type: single nucleotide variant.
Coding change: c.1960A>G on transcript NM_017617.5 (MANE Select); coding-DNA position 1960, A replaced by G.
Protein change: p.Thr654Ala; replaces threonine 654 with alanine.
Molecular consequence: missense variant.
Genome position (GRCh38, 1-based): chr9:136,515,344, T>C on the plus strand (A>G on the coding strand, the complement: NOTCH1 is on the minus strand). VCF-style: chr9-136515344-T-C. GRCh37 (hg19) VCF-style: chr9-139409796-T-C.
Other names: short protein forms T654A.
Identifiers: ClinVar variation 3620272 (VCV003620272.2).

ClinVar aggregate classification (germline): Uncertain significance (1 of 4 stars; one submission).

Conditions:
Adams-Oliver syndrome 5 (AOS5). Identifiers: Orphanet 974, MedGen C4014970, MONDO:0014459, OMIM 616028.

Submission:

Labcorp Genetics (formerly Invitae), Labcorp
Classification: Uncertain significance for Adams-Oliver syndrome 5. Last evaluated: 2024-07-11. Review status: criteria provided, single submitter. Criteria: Invitae Variant Classification Sherloc (09022015). Collection method: clinical testing. Allele origin: germline.
Comment: This sequence change replaces threonine, which is neutral and polar, with alanine, which is neutral and non-polar, at codon 654 of the NOTCH1 protein (p.Thr654Ala). This variant is not present in population databases (gnomAD no frequency). This variant has not been reported in the literature in individuals affected with NOTCH1-related conditions. Advanced modeling of protein sequence and biophysical properties (such as structural, functional, and spatial information, amino acid conservation, physicochemical variation, residue mobility, and thermodynamic stability) performed at Invitae indicates that this missense variant is not expected to disrupt NOTCH1 protein function with a negative predictive value of 95%. In summary, the available evidence is currently insufficient to determine the role of this variant in disease. Therefore, it has been classified as a Variant of Uncertain Significance.